The following is an entry in ClinVar:

ClinVar aggregate classification (germline): Uncertain significance. Review status: criteria provided, multiple submitters, no conflicts (2 of 4 stars). 2 submissions from 2 submitters: Uncertain significance (2). Last evaluated 2026-01-04.

Conditions:
Disseminated atypical mycobacterial infection. Identifiers: MedGen C0694566.

Submissions (2):

Labcorp Genetics (formerly Invitae), Labcorp
Classification: Uncertain significance for Disseminated atypical mycobacterial infection. Last evaluated: 2026-01-04. Review status: criteria provided, single submitter. Criteria: Invitae Variant Classification Sherloc (09022015). Collection method: clinical testing. Allele origin: germline.
Comment: This sequence change replaces threonine, which is neutral and polar, with alanine, which is neutral and non-polar, at codon 353 of the IFNGR1 protein (p.Thr353Ala). This variant is not present in population databases (gnomAD no frequency). This variant has not been reported in the literature in individuals affected with IFNGR1-related conditions. Invitae Evidence Modeling of protein sequence and biophysical properties (such as structural, functional, and spatial information, amino acid conservation, physicochemical variation, residue mobility, and thermodynamic stability) indicates that this missense variant is not expected to disrupt IFNGR1 protein function with a negative predictive value of 80%. In summary, the available evidence is currently insufficient to determine the role of this variant in disease. Therefore, it has been classified as a Variant of Uncertain Significance.

Blueprint Genetics
Classification: Uncertain significance. Last evaluated: 2020-08-08. Review status: criteria provided, single submitter. Criteria: ACMG Guidelines, 2015. Collection method: clinical testing. Allele origin: germline.

NM_000416.3(IFNGR1):c.1057A>G (p.Thr353Ala)

Gene: IFNGR1 (interferon gamma receptor 1; minus strand). Cytogenetic location: 6q23.3.
Variant type: single nucleotide variant.
Coding change: c.1057A>G on transcript NM_000416.3 (MANE Select); coding-DNA position 1057, A replaced by G.
Protein change: p.Thr353Ala; replaces threonine 353 with alanine.
Molecular consequence: missense variant.
Genome position (GRCh38, 1-based): chr6:137,198,444, T>C on the plus strand (A>G on the coding strand, the complement: IFNGR1 is on the minus strand). VCF-style: chr6-137198444-T-C. GRCh37 (hg19) VCF-style: chr6-137519581-T-C.
Other names: c.1027A>G, p.Thr343Ala (NM_001363526.1); c.934A>G, p.Thr312Ala (NM_001363527.1); short protein forms T312A, T343A, T353A.
Identifiers: ClinVar variation 4742665 (VCV004742665.2).
Genomic context (GRCh38, chr6:137,198,444, plus strand): 5'-GAGTCAGATGGCTGCCCGGGACCACGTCAGGAATATTTTCTTCAGTAGTCACCACTTCTG[T>C]TATACTAGAAAGTTCTTCTGTATGTTCCACTTTTCCTGGATTGTCTTCGGTATGCATGCC-3'
Protein context (NP_000407.1, residues 343-363): VEHTEELSSI[Thr353Ala]EVVTTEENIP